The following is an entry in ClinVar:

NM_001987.5(ETV6):c.379C>T (p.Arg127Trp)

Gene: ETV6 (ETS variant transcription factor 6; plus strand). Cytogenetic location: 12p13.2.
Variant type: single nucleotide variant.
Coding change: c.379C>T on transcript NM_001987.5 (MANE Select); coding-DNA position 379, C replaced by T.
Protein change: p.Arg127Trp; replaces arginine 127 with tryptophan.
Molecular consequence: missense variant.
Genome position (GRCh38, 1-based): chr12:11,853,477, C>T. VCF-style: chr12-11853477-C-T. GRCh37 (hg19) VCF-style: chr12-12006411-C-T.
Other names: c.376C>T, p.Arg126Trp (NM_001413913.1); c.352C>T, p.Arg118Trp (NM_001413914.1); c.115C>T, p.Arg39Trp (NM_001413915.1); c.379C>T, p.Arg127Trp (NM_001413916.1, NM_001413917.1); short protein forms R127W, R118W, R126W, R39W.
Identifiers: ClinVar variation 4020107 (VCV004020107.2).

ClinVar aggregate classification (germline): Uncertain significance. Review status: criteria provided, multiple submitters, no conflicts (2 of 4 stars). 2 submissions from 2 submitters: Uncertain significance (2). Last evaluated 2025-06-02.

Conditions:
Inborn genetic diseases. Identifiers: MedGen C0950123, MeSH D030342.

Submissions (2):

Ambry Genetics
Classification: Uncertain significance for Inborn genetic diseases. Last evaluated: 2025-06-02. Review status: criteria provided, single submitter. Criteria: Ambry Variant Classification Scheme 2023. Collection method: clinical testing. Allele origin: germline.
Comment: The p.R127W variant (also known as c.379C>T), located in coding exon 4 of the ETV6 gene, results from a C to T substitution at nucleotide position 379. The arginine at codon 127 is replaced by tryptophan, an amino acid with dissimilar properties. This amino acid position is well conserved in available vertebrate species. In addition, the in silico prediction for this alteration is inconclusive. Based on the available evidence, the clinical significance of this variant remains unclear.

Blueprint Genetics
Classification: Uncertain significance. Last evaluated: 2020-03-24. Review status: criteria provided, single submitter. Criteria: ACMG Guidelines, 2015. Collection method: clinical testing. Allele origin: germline.